The following is an entry in ClinVar:

ClinVar aggregate classification (germline): Benign/Likely benign. Review status: criteria provided, multiple submitters, no conflicts (2 of 4 stars). 12 submissions from 12 submitters: Benign (1); Likely benign (10). 1 of the submissions does not count toward it. Last evaluated 2026-01-28.

Conditions:
Hereditary cancer-predisposing syndrome. Also called: Neoplastic Syndromes, Hereditary; Hereditary neoplastic syndrome; Hereditary Cancer Syndrome; Tumor predisposition. Identifiers: Orphanet 140162, MedGen C0027672, MeSH D009386, MONDO:0015356.
Hereditary diffuse gastric adenocarcinoma (HDGC). Also called: DIFFUSE GASTRIC AND LOBULAR BREAST CANCER SYNDROME. Identifiers: Orphanet 26106, MedGen C1708349, MONDO:0007648, OMIM 137215.
Prostate cancer. Also called: Malignant tumor of prostate. Identifiers: Orphanet 1331, MedGen C0376358, MONDO:0008315, HP:0012125.

Allele frequency attached by ClinVar (database versions not stated): TOPMed 0.00001.
gnomAD v4.1: 26 of 1,614,062 alleles (0.0016%); highest among the groups gnomAD compares: Non-Finnish European, 0.0018%; no homozygotes.

Submissions (12):

Labcorp Genetics (formerly Invitae), Labcorp
Classification: Likely benign for Hereditary diffuse gastric adenocarcinoma. Last evaluated: 2026-01-28. Review status: criteria provided, single submitter. Criteria: Invitae Variant Classification Sherloc (09022015). Collection method: clinical testing. Allele origin: germline.

Quest Diagnostics Nichols Institute San Juan Capistrano
Classification: Likely benign. Last evaluated: 2025-08-21. Review status: criteria provided, single submitter. Criteria: Quest Diagnostics criteria. Collection method: clinical testing. Allele origin: unknown.

Center for Genomic Medicine, Rigshospitalet, Copenhagen University Hospital
Classification: Likely benign. Last evaluated: 2025-03-04. Review status: criteria provided, single submitter. Criteria: ACMG Guidelines, 2015. Collection method: clinical testing. Allele origin: germline.

Myriad Genetics, Inc.
Classification: Benign for Hereditary diffuse gastric adenocarcinoma. Last evaluated: 2024-09-24. Review status: criteria provided, single submitter. Criteria: Myriad Autosomal Dominant, Autosomal Recessive and X-Linked Classification Criteria (2023). Collection method: clinical testing. Allele origin: unknown.
Comment: This variant is considered benign. This variant is a silent/synonymous amino acid change and it is not expected to impact splicing.

Blueprint Genetics
Classification: Likely benign. Last evaluated: 2023-10-27. Review status: criteria provided, single submitter. Criteria: ACMG Guidelines, 2015. Collection method: clinical testing. Allele origin: germline.

KCCC/NGS Laboratory, Kuwait Cancer Control Center
Classification: Likely benign for Familial prostate cancer. Last evaluated: 2023-07-07. Review status: criteria provided, single submitter. Criteria: ACMG Guidelines, 2015. Collection method: clinical testing. Allele origin: germline. Affected: yes.

ARUP Laboratories, Molecular Genetics and Genomics, ARUP Laboratories
Classification: Likely benign. Last evaluated: 2023-03-01. Review status: criteria provided, single submitter. Criteria: ARUP Molecular Germline Variant Investigation Process 2024. Collection method: clinical testing. Allele origin: germline.

Sema4
Classification: Likely benign for Hereditary cancer-predisposing syndrome. Last evaluated: 2021-04-30. Review status: criteria provided, single submitter. Criteria: Sema4 Curation Guidelines. Collection method: curation. Allele origin: germline.

GeneDx
Classification: Likely benign. Last evaluated: 2019-10-03. Review status: criteria provided, single submitter. Criteria: GeneDx Variant Classification Process June 2021. Collection method: clinical testing. Allele origin: germline. Affected: yes.

Color Diagnostics, LLC DBA Color Health
Classification: Likely benign for Hereditary cancer-predisposing syndrome. Last evaluated: 2017-08-31. Review status: criteria provided, single submitter. Criteria: ACMG Guidelines, 2015. Collection method: clinical testing. Allele origin: germline.

Ambry Genetics
Classification: Likely benign for Hereditary cancer-predisposing syndrome. Last evaluated: 2014-09-08. Review status: criteria provided, single submitter. Criteria: Ambry Variant Classification Scheme 2023. Collection method: clinical testing. Allele origin: germline.

True Health Diagnostics
Classification: Likely benign for Hereditary cancer-predisposing syndrome. Last evaluated: 2018-07-12. Review status: no assertion criteria provided. Collection method: clinical testing. Allele origin: germline. Not counted in ClinVar's aggregate classification.

NM_004360.5(CDH1):c.2493C>T (p.Leu831=)

Gene: CDH1 (cadherin 1; plus strand). Cytogenetic location: 16q22.1.
Variant type: single nucleotide variant.
Coding change: c.2493C>T on transcript NM_004360.5 (MANE Select); coding-DNA position 2493, C replaced by T.
Protein change: p.Leu831=; no amino-acid change (leucine 831 retained).
Molecular consequence: synonymous variant.
Genome position (GRCh38, 1-based): chr16:68,833,343, C>T. VCF-style: chr16-68833343-C-T. GRCh37 (hg19) VCF-style: chr16-68867246-C-T.
Other names: c.2310C>T, p.Leu770= (NM_001317184.2); c.945C>T, p.Leu315= (NM_001317185.2); c.528C>T, p.Leu176= (NM_001317186.2); c.2493C>T (LRG_301t1).
Identifiers: ClinVar variation 185692 (VCV000185692.27), dbSNP rs779267700, ClinGen allele CA192642.